The following is an entry in ClinVar:

ClinVar aggregate classification (germline): Benign. Review status: criteria provided, single submitter (1 of 4 stars). 2 submissions from 2 submitters: Benign (1). 1 of the submissions does not count toward it. Last evaluated 2023-03-21.

Conditions:
TRAPPC9-related disorder. Also called: TRAPPC9-related condition.

Allele frequency attached by ClinVar (database versions not stated): TOPMed 0.00006; ESP Exome Variant Server 0.00008; 1000 Genomes Project 30x 0.00031; ExAC 0.00031; 1000 Genomes Project 0.00040.
gnomAD v4.1: 237 of 1,614,170 alleles (0.015%); highest among the groups gnomAD compares: Non-Finnish European, 0.0035%; no homozygotes.

Submissions (2):

Labcorp Genetics (formerly Invitae), Labcorp
Classification: Benign. Last evaluated: 2023-03-21. Review status: criteria provided, single submitter. Criteria: Invitae Variant Classification Sherloc (09022015). Collection method: clinical testing. Allele origin: germline.

PreventionGenetics, part of Exact Sciences
Classification: Likely benign for TRAPPC9-related condition. Last evaluated: 2023-12-29. Review status: no assertion criteria provided. Collection method: clinical testing. Allele origin: germline. Not counted in ClinVar's aggregate classification.
Comment: This variant is classified as likely benign based on ACMG/AMP sequence variant interpretation guidelines (Richards et al. 2015 PMID: 25741868, with internal and published modifications).

NM_001160372.4(TRAPPC9):c.1353C>T (p.Gly451=)

Gene: TRAPPC9 (trafficking protein particle complex subunit 9; minus strand). Cytogenetic location: 8q24.3.
Variant type: single nucleotide variant.
Coding change: c.1353C>T on transcript NM_001160372.4 (MANE Select); coding-DNA position 1353, C replaced by T.
Protein change: p.Gly451=; no amino-acid change (glycine 451 retained).
Molecular consequence: synonymous variant. On other transcripts: non-coding transcript variant (1), intron variant (1).
Genome position (GRCh38, 1-based): chr8:140,360,192, G>A on the plus strand (C>T on the coding strand, the complement: TRAPPC9 is on the minus strand). VCF-style: chr8-140360192-G-A. GRCh37 (hg19) VCF-style: chr8-141370291-G-A.
Other names: c.1647C>T (NM_031466.7); c.1326C>T, p.Gly442= (NM_001321646.2); c.1374C>T, p.Gly458= (NM_001374682.1); c.1353C>T, p.Gly451= (NM_001374683.1, NM_031466.8); c.1351+10772C>T (NM_001374684.1).
Identifiers: ClinVar variation 2904098 (VCV002904098.5), dbSNP rs145333904, ClinGen allele CA4893470.